The following is an entry in ClinVar:

NM_017514.5(PLXNA3):c.4086C>T (p.Gly1362=)

Gene: PLXNA3 (plexin A3; plus strand). Cytogenetic location: Xq28.
Variant type: single nucleotide variant.
Coding change: c.4086C>T on transcript NM_017514.5 (MANE Select); coding-DNA position 4086, C replaced by T.
Protein change: p.Gly1362=; no amino-acid change (glycine 1362 retained).
Molecular consequence: synonymous variant.
Genome position (GRCh38, 1-based): chrX:154,468,425, C>T. VCF-style: chrX-154468425-C-T. GRCh37 (hg19) VCF-style: chrX-153696768-C-T.
Identifiers: ClinVar variation 3350671 (VCV003350671.1).

ClinVar aggregate classification (germline): Likely benign (0 of 4 stars; one submission).

Conditions:
PLXNA3-related disorder. Also called: PLXNA3-related condition.

gnomAD v4.1: 3 of 1,211,227 alleles (0.00025%); highest among the groups gnomAD compares: Non-Finnish European, 0.00034%; no homozygotes.

Submission:

PreventionGenetics, part of Exact Sciences
Classification: Likely benign for PLXNA3-related condition. Last evaluated: 2023-06-22. Review status: no assertion criteria provided. Collection method: clinical testing. Allele origin: germline.
Comment: This variant is classified as likely benign based on ACMG/AMP sequence variant interpretation guidelines (Richards et al. 2015 PMID: 25741868, with internal and published modifications).